The following is an entry in ClinVar:

ClinVar aggregate classification (germline): Uncertain significance (1 of 4 stars; one submission).

Conditions:
Parkinson disease, late-onset (PD). Also called: PARKINSON DISEASE, LATE-ONSET, SUSCEPTIBILITY TO; Susceptibility to Parkinson's Disease; Hereditary late onset Parkinson disease. Identifiers: Orphanet 411602, MedGen C3160718, MONDO:0008199, OMIM 168600.

Submission:

Neuberg Centre For Genomic Medicine, NCGM
Classification: Uncertain significance for Parkinson disease, late-onset. Last evaluated: 2023-03-01. Review status: criteria provided, single submitter. Criteria: ACMG Guidelines, 2015. Collection method: clinical testing. Allele origin: germline. Inheritance: Autosomal dominant inheritance. Affected: yes.
Comment: The missense c.256G>A(p.Val86Met) variant in GLUD2 gene has not been reported previously as a pathogenic variant nor as a benign variant, to our knowledge. The p.Val86Met variant is novel (not in any individuals) in gnomAD Exomes and 1000 Genomes database. This variant has not been reported to the ClinVar database. The amino acid change p.Val86Met in GLUD2 is predicted as conserved by GERP++ and PhyloP across 100 vertebrates. The amino acid Val at position 86 is changed to a Met changing protein sequence and it might alter its composition and physico-chemical properties. For these reasons, this variant has been classified as Variant of Uncertain Significance (VUS).

NM_012084.4(GLUD2):c.256G>A (p.Val86Met)

Gene: GLUD2 (glutamate dehydrogenase 2; plus strand). Cytogenetic location: Xq24.
Variant type: single nucleotide variant.
Coding change: c.256G>A on transcript NM_012084.4 (MANE Select); coding-DNA position 256, G replaced by A.
Protein change: p.Val86Met; replaces valine 86 with methionine.
Molecular consequence: missense variant.
Genome position (GRCh38, 1-based): chrX:121,047,940, G>A. VCF-style: chrX-121047940-G-A. GRCh37 (hg19) VCF-style: chrX-120181794-G-A.
Other names: short protein forms V86M.
Identifiers: ClinVar variation 2664884 (VCV002664884.1), dbSNP rs1477335987, ClinGen allele CA414409185.